The following is an entry in ClinVar:

NM_015043.4(TBC1D9B):c.1503G>A (p.Thr501=)

Gene: TBC1D9B (TBC1 domain family member 9B; minus strand). Cytogenetic location: 5q35.3.
Variant type: single nucleotide variant.
Coding change: c.1503G>A on transcript NM_015043.4 (MANE Select); coding-DNA position 1503, G replaced by A.
Protein change: p.Thr501=; no amino-acid change (threonine 501 retained).
Molecular consequence: synonymous variant.
Genome position (GRCh38, 1-based): chr5:179,879,111, C>T on the plus strand (G>A on the coding strand, the complement: TBC1D9B is on the minus strand). VCF-style: chr5-179879111-C-T. GRCh37 (hg19) VCF-style: chr5-179306111-C-T.
Other names: c.1503G>A, p.Thr501= (NM_198868.3).
Identifiers: ClinVar variation 2656143 (VCV002656143.24), dbSNP rs775215177, ClinGen allele CA3602313.

ClinVar aggregate classification (germline): Likely benign (1 of 4 stars; one submission).

Allele frequency attached by ClinVar (database versions not stated): gnomAD 0.00001; TOPMed 0.00003; ExAC 0.00004.
gnomAD v4.1: 81 of 1,607,850 alleles (0.005%); highest among the groups gnomAD compares: Non-Finnish European, 0.0064%; no homozygotes.

Submission:

CeGaT Center for Human Genetics Tuebingen
Classification: Likely benign. Last evaluated: 2022-10-01. Review status: criteria provided, single submitter. Criteria: CeGaT Center For Human Genetics Tuebingen Variant Classification Criteria Version 2. Collection method: clinical testing. Allele origin: germline. Affected: yes. Observed: 1 variant allele.
Comment: TBC1D9B: BP4, BP7